The following is an entry in ClinVar:

NM_001606.5(ABCA2):c.2601G>T (p.Ala867=)

Gene: ABCA2 (ATP binding cassette subfamily A member 2; minus strand). Cytogenetic location: 9q34.3.
Variant type: single nucleotide variant.
Coding change: c.2601G>T on transcript NM_001606.5 (MANE Select); coding-DNA position 2601, G replaced by T.
Protein change: p.Ala867=; no amino-acid change (alanine 867 retained).
Molecular consequence: synonymous variant.
Genome position (GRCh38, 1-based): chr9:137,017,077, C>A on the plus strand (G>T on the coding strand, the complement: ABCA2 is on the minus strand). VCF-style: chr9-137017077-C-A. GRCh37 (hg19) VCF-style: chr9-139911529-C-A.
Other names: c.2691G>T, p.Ala897= (NM_212533.3).
Identifiers: ClinVar variation 1676134 (VCV001676134.33), dbSNP rs747553479, ClinGen allele CA467845755.

ClinVar aggregate classification (germline): Likely benign (1 of 4 stars; one submission).

gnomAD v4.1: 13 of 1,612,750 alleles (0.00081%); highest among the groups gnomAD compares: Non-Finnish European, 0.001%; no homozygotes.

Submission:

CeGaT Center for Human Genetics Tuebingen
Classification: Likely benign. Last evaluated: 2022-03-01. Review status: criteria provided, single submitter. Criteria: CeGaT Center For Human Genetics Tuebingen Variant Classification Criteria Version 2. Collection method: clinical testing. Allele origin: germline. Affected: yes. Observed: 1 variant allele.
Comment: ABCA2: BP4, BP7